The following is an entry in ClinVar:

NM_000152.5(GAA):c.1943G>T (p.Gly648Val)

Gene: GAA (alpha glucosidase; plus strand). Cytogenetic location: 17q25.3.
Variant type: single nucleotide variant.
Coding change: c.1943G>T on transcript NM_000152.5 (MANE Select); coding-DNA position 1943, G replaced by T.
Protein change: p.Gly648Val; replaces glycine 648 with valine.
Molecular consequence: missense variant.
Genome position (GRCh38, 1-based): chr17:80,112,930, G>T. VCF-style: chr17-80112930-G-T. GRCh37 (hg19) VCF-style: chr17-78086729-G-T.
Other names: c.1943G>T (LRG_673t1); c.1943G>T, p.Gly648Val (NM_001079803.3, NM_001079804.3); short protein forms G648V.
Identifiers: ClinVar variation 662559 (VCV000662559.11), dbSNP rs1448515860, ClinGen allele CA401369926.
Genomic context (GRCh38, chr17:80,112,930, plus strand): 5'-TCCCAGAAATCCTGCAGTTTAACCTGCTGGGGGTGCCTCTGGTCGGGGCCGACGTCTGCG[G>T]CTTCCTGGGCAACACCTCAGAGGAGCTGTGTGTGCGCTGGACCCAGCTGGGGGCCTTCTA-3'
Protein context (NP_000143.2, residues 638-658): GVPLVGADVC[Gly648Val]FLGNTSEELC

ClinVar aggregate classification (germline): Likely pathogenic (1 of 4 stars; one submission).

Conditions:
Glycogen storage disease, type II (IOPD). Also called: CARDIOMEGALIA GLYCOGENICA DIFFUSA; Glucosidase acid-1,4-alpha deficiency; GLYCOGENOSIS, GENERALIZED, CARDIAC FORM; GSD II; ACID MALTASE DEFICIENCY, INFANTILE-ONSET; POMPE DISEASE, INFANTILE-ONSET. Identifiers: Orphanet 365, MedGen C0017921, MONDO:0009290, OMIM 232300.

Submission:

Labcorp Genetics (formerly Invitae), Labcorp
Classification: Likely pathogenic for Glycogen storage disease, type II. Last evaluated: 2023-03-10. Review status: criteria provided, single submitter. Criteria: Invitae Variant Classification Sherloc (09022015). Collection method: clinical testing. Allele origin: germline.
Comment: This sequence change replaces glycine, which is neutral and non-polar, with valine, which is neutral and non-polar, at codon 648 of the GAA protein (p.Gly648Val). This variant is not present in population databases (gnomAD no frequency). This variant has not been reported in the literature in individuals affected with GAA-related conditions. ClinVar contains an entry for this variant (Variation ID: 662559). Advanced modeling of protein sequence and biophysical properties (such as structural, functional, and spatial information, amino acid conservation, physicochemical variation, residue mobility, and thermodynamic stability) performed at Invitae indicates that this missense variant is expected to disrupt GAA protein function. This variant disrupts the p.Gly648 amino acid residue in GAA. Other variant(s) that disrupt this residue have been determined to be pathogenic (PMID: 9535769, 17643989, 19862843, 26575883). This suggests that this residue is clinically significant, and that variants that disrupt this residue are likely to be disease-causing. In summary, the currently available evidence indicates that the variant is pathogenic, but additional data are needed to prove that conclusively. Therefore, this variant has been classified as Likely Pathogenic.

Literature cited by the submitters: PubMed 9535769; PubMed 17643989; PubMed 19862843; PubMed 26575883.